The following is an entry in ClinVar:

NM_033004.4(NLRP1):c.790del (p.Cys264fs)

Gene: NLRP1 (NLR family pyrin domain containing 1; minus strand). Cytogenetic location: 17p13.2.
Variant type: Deletion.
Coding change: c.790del on transcript NM_033004.4 (MANE Select); coding-DNA position 790, one base deleted (T; older notation c.790delT).
Protein change: p.Cys264fs; shifts the reading frame from cysteine 264.
Molecular consequence: frameshift variant.
Genome position (GRCh38, 1-based): chr17:5,559,906, A deleted on the plus strand (T on the coding strand, the reverse complement: NLRP1 is on the minus strand). VCF-style (leftmost placement, unchanged base first): chr17-5559905-CA-C. GRCh37 (hg19) VCF-style: chr17-5463225-CA-C.
Other names: c.790del, p.Cys264fs (NM_001033053.3, NM_014922.5, NM_033006.4 and 1 more transcripts); short protein forms C264fs.
Identifiers: ClinVar variation 808210 (VCV000808210.52), dbSNP rs1597460588, ClinGen allele CA915949479.

ClinVar aggregate classification (germline): Uncertain significance. Review status: criteria provided, multiple submitters, no conflicts (2 of 4 stars). 4 submissions from 4 submitters: Uncertain significance (4). Last evaluated 2025-12-26.

Conditions:
Autoinflammation with arthritis and dyskeratosis (AIADK). Identifiers: MedGen C4479278, MONDO:0060457, OMIM 617388.

Allele frequency attached by ClinVar (database versions not stated): TOPMed below 0.00001; gnomAD exomes 0.00001.

Submissions (4):

Labcorp Genetics (formerly Invitae), Labcorp
Classification: Uncertain significance. Last evaluated: 2025-12-26. Review status: criteria provided, single submitter. Criteria: Invitae Variant Classification Sherloc (09022015). Collection method: clinical testing. Allele origin: germline.
Comment: This sequence change creates a premature translational stop signal (p.Cys264Valfs*48) in the NLRP1 gene. It is expected to result in an absent or disrupted protein product. However, the current clinical and genetic evidence is not sufficient to establish whether loss-of-function variants in NLRP1 cause disease. This variant is not present in population databases (gnomAD no frequency). This variant has not been reported in the literature in individuals affected with NLRP1-related conditions. ClinVar contains an entry for this variant (Variation ID: 808210). In summary, the available evidence is currently insufficient to determine the role of this variant in disease. Therefore, it has been classified as a Variant of Uncertain Significance.

Genomic Research Center, Shahid Beheshti University of Medical Sciences
Classification: Uncertain significance. Last evaluated: 2024-04-22. Review status: criteria provided, single submitter. Criteria: ACMG Guidelines, 2015. Collection method: clinical testing. Allele origin: germline.

Centre for Mendelian Genomics, University Medical Centre Ljubljana
Classification: Uncertain significance for Autoinflammation with arthritis and dyskeratosis. Last evaluated: 2019-06-20. Review status: criteria provided, single submitter. Criteria: ACMG Guidelines, 2015. Collection method: clinical testing. Allele origin: unknown. Affected: yes.
Comment: This variant was classified as: Uncertain significance. The available evidence on this variant's pathogenicity is insufficient or conflicting. The following ACMG criteria were applied in classifying this variant: PM2.

CeGaT Center for Human Genetics Tuebingen
Classification: Uncertain significance. Last evaluated: 2019-01-01. Review status: criteria provided, single submitter. Criteria: CeGaT Center For Human Genetics Tuebingen Variant Classification Criteria Version 2. Collection method: clinical testing. Allele origin: germline. Affected: yes. Observed: 1 variant allele.